The following is an entry in ClinVar:

ClinVar aggregate classification (germline): Uncertain significance (1 of 4 stars; one submission).

Allele frequency attached by ClinVar (database versions not stated): TOPMed below 0.00001; gnomAD 0.00001; gnomAD exomes 0.00001.
gnomAD v4.1: 5 of 1,597,956 alleles (0.00031%); highest among the groups gnomAD compares: Non-Finnish European, 0.00043%; no homozygotes.

Submission:

Labcorp Genetics (formerly Invitae), Labcorp
Classification: Uncertain significance. Last evaluated: 2024-10-24. Review status: criteria provided, single submitter. Criteria: Invitae Variant Classification Sherloc (09022015). Collection method: clinical testing. Allele origin: germline.
Comment: This sequence change replaces aspartic acid, which is acidic and polar, with tyrosine, which is neutral and polar, at codon 298 of the FBXW4 protein (p.Asp298Tyr). This variant is not present in population databases (gnomAD no frequency). This variant has not been reported in the literature in individuals affected with FBXW4-related conditions. An algorithm developed to predict the effect of missense changes on protein structure and function (PolyPhen-2) suggests that this variant is likely to be disruptive. In summary, the available evidence is currently insufficient to determine the role of this variant in disease. Therefore, it has been classified as a Variant of Uncertain Significance.

NM_022039.4(FBXW4):c.1357G>T (p.Asp453Tyr)

Gene: FBXW4 (F-box and WD repeat domain containing 4; minus strand). Cytogenetic location: 10q24.32.
Variant type: single nucleotide variant.
Coding change: c.1357G>T on transcript NM_022039.4 (MANE Select); coding-DNA position 1357, G replaced by T.
Protein change: p.Asp453Tyr; replaces aspartic acid 453 with tyrosine.
Molecular consequence: missense variant. On other transcripts: non-coding transcript variant (1).
Genome position (GRCh38, 1-based): chr10:101,612,422, C>A on the plus strand (G>T on the coding strand, the complement: FBXW4 is on the minus strand). VCF-style: chr10-101612422-C-A. GRCh37 (hg19) VCF-style: chr10-103372179-C-A.
Other names: c.631G>T, p.Asp211Tyr (NM_001323541.2); short protein forms D211Y, D453Y.
Identifiers: ClinVar variation 2978870 (VCV002978870.3), dbSNP rs1299721211, ClinGen allele CA378240473.
Genomic context (GRCh38, chr10:101,612,422, plus strand): 5'-AGCGAACATAGGTGTCATAGCCACAGGACAGCAGTGTGAAAGGGGACTCATACATGACAT[C>A]CAGCACCCCAGCCCCTGGGGGAAAGTCACTGCCCAAGTGTGTCATCAGCTGCCCACTGGG-3'
Protein context (NP_071322.2, residues 443-463): SDFPPGAGVL[Asp453Tyr]VMYESPFTLL